The following is an entry in ClinVar:

NM_002225.5(IVD):c.928del (p.Glu310fs)

Gene: IVD (isovaleryl-CoA dehydrogenase; plus strand). Cytogenetic location: 15q15.1.
Variant type: Deletion.
Coding change: c.928del on transcript NM_002225.5 (MANE Select); coding-DNA position 928, one base deleted (G; older notation c.928delG).
Protein change: p.Glu310fs; shifts the reading frame from glutamic acid 310.
Molecular consequence: frameshift variant. On other transcripts: non-coding transcript variant (1).
Genome position (GRCh38, 1-based): chr15:40,415,450, G deleted; the last of 3 consecutive G bases (chr15:40,415,448-40,415,450); deleting any one gives the same sequence. VCF-style (leftmost placement, unchanged base first): chr15-40415447-AG-A. GRCh37 (hg19) VCF-style: chr15-40707646-AG-A.
Other names: c.838del, p.Glu280fs (NM_001159508.3); c.880del, p.Glu294fs (NM_001354597.3); c.928del, p.Glu310fs (NM_001354598.3, NM_001354601.3); c.1015del, p.Glu339fs (NM_001354599.3, NM_001354600.3); c.937del (NM_002225.3); short protein forms E280fs, E294fs, E310fs, E339fs.
Identifiers: ClinVar variation 2676197 (VCV002676197.3), dbSNP rs2542747913, ClinGen allele CA2695197213.

ClinVar aggregate classification (germline): Pathogenic/Likely pathogenic. Review status: criteria provided, multiple submitters, no conflicts (2 of 4 stars). 3 submissions from 3 submitters: Pathogenic (1); Likely pathogenic (2). Last evaluated 2026-05-27.

Conditions:
Isovaleryl-CoA dehydrogenase deficiency (IVA). Also called: ISOVALERIC ACID CoA DEHYDROGENASE DEFICIENCY; IVD DEFICIENCY; Isovaleric acidemia; Classic Isovaleric Acidemia. Identifiers: Orphanet 33, MedGen C0268575, MONDO:0009475, OMIM 243500.

Submissions (3):

Myriad Genetics, Inc.
Classification: Pathogenic for Isovaleryl-CoA dehydrogenase deficiency. Last evaluated: 2026-05-27. Review status: criteria provided, single submitter. Criteria: Myriad Autosomal Dominant, Autosomal Recessive and X-Linked Classification Criteria (2023). Collection method: clinical testing. Allele origin: unknown.
Comment: NM_002225.3(IVD):c.937delG(E313Kfs*12) is expected to be pathogenic in the context of isovaleric acidemia. This variant is predicted to lead to an abnormal or absent protein product due to the creation of a premature termination codon in IVD, a gene where loss-of-function variants are known to be pathogenic. Please note: this variant was assessed in the context of healthy population screening.

Natera, Inc.
Classification: Likely pathogenic for Isovaleryl-coa dehydrogenase deficiency. Last evaluated: 2025-08-11. Review status: criteria provided, single submitter. Criteria: Natera Variant Classification Schema (03/2026). Collection method: clinical testing. Allele origin: germline.
Comment: The c.937del variant in IVD is a frameshift variant predicted to shift the reading frame beginning at codon 313 and leads to a stop codon 12 codons downstream. This variant is expected to result in nonsense mediated decay, truncation, or a dysfunctional protein product. This variant is rare in the general population with a frequency below the threshold expected for the associated phenotype(s). Given the available evidence, this variant is classified as Likely Pathogenic.

Baylor Genetics
Classification: Likely pathogenic for Isovaleryl-CoA dehydrogenase deficiency. Last evaluated: 2023-03-21. Review status: criteria provided, single submitter. Criteria: ACMG Guidelines, 2015. Collection method: clinical testing. Allele origin: unknown.